The following is an entry in ClinVar:

NM_024753.5(TTC21B):c.3383_3384del (p.Tyr1128fs)

Gene: TTC21B (tetratricopeptide repeat domain 21B; minus strand). Cytogenetic location: 2q24.3.
Variant type: Deletion.
Coding change: c.3383_3384del on transcript NM_024753.5 (MANE Select); coding-DNA positions 3383 to 3384, 2 bases deleted (AT; older notation c.3383_3384delAT).
Protein change: p.Tyr1128fs; shifts the reading frame from tyrosine 1128.
Molecular consequence: frameshift variant.
Genome position (GRCh38, 1-based): chr2:165,888,354-165,888,355, AT deleted on the plus strand (AT on the coding strand, the reverse complement: TTC21B is on the minus strand); deleting any 2 consecutive bases within chr2:165,888,354-165,888,356 gives the same sequence; the c. name uses the placement nearest the transcript's 3' end. VCF-style (leftmost placement, unchanged base first): chr2-165888353-AAT-A. GRCh37 (hg19) VCF-style: chr2-166744863-AAT-A.
Other names: short protein forms Y1128fs.
Identifiers: ClinVar variation 528906 (VCV000528906.6), dbSNP rs1553506530, ClinGen allele CA658795940.

ClinVar aggregate classification (germline): Pathogenic (1 of 4 stars; one submission).

Conditions:
Nephronophthisis. Also called: Juvenile Nephronophthisis. Identifiers: Orphanet 655, MedGen C0687120, MONDO:0019005, HP:0000090.
Jeune thoracic dystrophy. Also called: Jeune syndrome; Infantile thoracic dystrophy; Thoracic pelvic phalangeal dystrophy; Jeune's syndrome; Chondroectodermal dysplasia-like syndrome; Short-rib thoracic dysplasia. Identifiers: Orphanet 474, MedGen C0265275, MONDO:0018770.

Submission:

Labcorp Genetics (formerly Invitae), Labcorp
Classification: Pathogenic for Jeune thoracic dystrophy; Nephronophthisis. Last evaluated: 2022-07-05. Review status: criteria provided, single submitter. Criteria: Invitae Variant Classification Sherloc (09022015). Collection method: clinical testing. Allele origin: germline.
Comment: For these reasons, this variant has been classified as Pathogenic. This sequence change creates a premature translational stop signal (p.Tyr1128Leufs*10) in the TTC21B gene. It is expected to result in an absent or disrupted protein product. Loss-of-function variants in TTC21B are known to be pathogenic (PMID: 18327258, 21068128, 21258341, 23559409, 24876116, 25492405, 27491411, 29068549). This variant is not present in population databases (gnomAD no frequency). This variant has not been reported in the literature in individuals affected with TTC21B-related conditions. ClinVar contains an entry for this variant (Variation ID: 528906).

Literature cited by the submitters: PubMed 18327258; PubMed 21068128; PubMed 21258341; PubMed 23559409; PubMed 24876116; PubMed 25492405; PubMed 27491411; PubMed 29068549.